The following is an entry in ClinVar:

NM_006019.4(TCIRG1):c.1498C>G (p.Leu500Val)

Gene: TCIRG1 (T cell immune regulator 1, ATPase H+ transporting V0 subunit a3; plus strand). Cytogenetic location: 11q13.2.
Variant type: single nucleotide variant.
Coding change: c.1498C>G on transcript NM_006019.4 (MANE Select); coding-DNA position 1498, C replaced by G.
Protein change: p.Leu500Val; replaces leucine 500 with valine.
Molecular consequence: missense variant.
Genome position (GRCh38, 1-based): chr11:68,047,916, C>G. VCF-style: chr11-68047916-C-G. GRCh37 (hg19) VCF-style: chr11-67815383-C-G.
Other names: c.604C>G, p.Leu202Val (NM_001351059.2); c.850C>G, p.Leu284Val (NM_006053.4); short protein forms L202V, L284V, L500V.
Identifiers: ClinVar variation 2201909 (VCV002201909.1), dbSNP rs1160743125, ClinGen allele CA381584527.

ClinVar aggregate classification (germline): Uncertain significance (1 of 4 stars; one submission).

Allele frequency attached by ClinVar (database versions not stated): gnomAD exomes below 0.00001; TOPMed 0.00001.
gnomAD v4.1: 3 of 1,613,826 alleles (0.00019%); highest among the groups gnomAD compares: Admixed American, 0.0033%; no homozygotes.

Submission:

Labcorp Genetics (formerly Invitae), Labcorp
Classification: Uncertain significance. Last evaluated: 2022-03-04. Review status: criteria provided, single submitter. Criteria: Invitae Variant Classification Sherloc (09022015). Collection method: clinical testing. Allele origin: germline.
Comment: This sequence change replaces leucine, which is neutral and non-polar, with valine, which is neutral and non-polar, at codon 500 of the TCIRG1 protein (p.Leu500Val). This variant is present in population databases (no rsID available, gnomAD 0.003%). This variant has not been reported in the literature in individuals affected with TCIRG1-related conditions. Algorithms developed to predict the effect of missense changes on protein structure and function are either unavailable or do not agree on the potential impact of this missense change (SIFT: "Deleterious"; PolyPhen-2: "Probably Damaging"; Align-GVGD: "Class C0"). In summary, the available evidence is currently insufficient to determine the role of this variant in disease. Therefore, it has been classified as a Variant of Uncertain Significance.